The following is an entry in ClinVar:

ClinVar aggregate classification (germline): Uncertain significance. Review status: criteria provided, multiple submitters, no conflicts (2 of 4 stars). 2 submissions from 2 submitters: Uncertain significance (2). Last evaluated 2022-11-19.

Conditions:
Inborn genetic diseases. Identifiers: MedGen C0950123, MeSH D030342.
Primary ciliary dyskinesia. Also called: Ciliary dyskinesia. Identifiers: Orphanet 244, MedGen C0008780, MONDO:0016575, HP:0012265.

Allele frequency attached by ClinVar (database versions not stated): ExAC 0.00001; gnomAD 0.00001; gnomAD exomes 0.00001 and 0.00002; TOPMed 0.00001.
gnomAD v4.1: 23 of 1,613,346 alleles (0.0014%); highest among the groups gnomAD compares: Admixed American, 0.005%; no homozygotes.

Submissions (2):

Ambry Genetics
Classification: Uncertain significance for Inborn genetic diseases. Last evaluated: 2022-11-19. Review status: criteria provided, single submitter. Criteria: Ambry Variant Classification Scheme 2023. Collection method: clinical testing. Allele origin: germline.

Labcorp Genetics (formerly Invitae), Labcorp
Classification: Uncertain significance for Primary ciliary dyskinesia. Last evaluated: 2022-07-05. Review status: criteria provided, single submitter. Criteria: Invitae Variant Classification Sherloc (09022015). Collection method: clinical testing. Allele origin: germline.
Comment: This sequence change replaces proline, which is neutral and non-polar, with arginine, which is basic and polar, at codon 25 of the DRC1 protein (p.Pro25Arg). This variant is present in population databases (rs778586998, gnomAD 0.007%). This variant has not been reported in the literature in individuals affected with DRC1-related conditions. ClinVar contains an entry for this variant (Variation ID: 407098). Algorithms developed to predict the effect of missense changes on protein structure and function are either unavailable or do not agree on the potential impact of this missense change (SIFT: "Deleterious"; PolyPhen-2: "Probably Damaging"; Align-GVGD: "Class C0"). In summary, the available evidence is currently insufficient to determine the role of this variant in disease. Therefore, it has been classified as a Variant of Uncertain Significance.

NM_145038.5(DRC1):c.74C>G (p.Pro25Arg)

Gene: DRC1 (dynein regulatory complex subunit 1; plus strand). Cytogenetic location: 2p23.3.
Variant type: single nucleotide variant.
Coding change: c.74C>G on transcript NM_145038.5 (MANE Select); coding-DNA position 74, C replaced by G.
Protein change: p.Pro25Arg; replaces proline 25 with arginine.
Molecular consequence: missense variant.
Genome position (GRCh38, 1-based): chr2:26,402,063, C>G. VCF-style: chr2-26402063-C-G. GRCh37 (hg19) VCF-style: chr2-26624931-C-G.
Other names: c.74C>G (NM_145038.2); short protein forms P25R.
Identifiers: ClinVar variation 407098 (VCV000407098.17), dbSNP rs778586998, ClinGen allele CA1561733.
Genomic context (GRCh38, chr2:26,402,063, plus strand): 5'-GGTCCCTAGAGGCCCTGGACCCGAACGTGGACGAGCACTTGTCCACCCAGATTCTCGCGC[C>G]CTCGGTCCACTCCGACAACTCTCAGGAGCGCATCCAGGCCCGGCGCCTCCGCATCGCTGC-3'
Protein context (NP_659475.2, residues 15-35): DEHLSTQILA[Pro25Arg]SVHSDNSQER